The following is an entry in ClinVar:

NM_000254.3(MTR):c.3717G>C (p.Glu1239Asp)

Gene: MTR (5-methyltetrahydrofolate-homocysteine methyltransferase; plus strand). Cytogenetic location: 1q43.
Variant type: single nucleotide variant.
Coding change: c.3717G>C on transcript NM_000254.3 (MANE Select); coding-DNA position 3717, G replaced by C.
Protein change: p.Glu1239Asp; replaces glutamic acid 1239 with aspartic acid.
Molecular consequence: missense variant.
Genome position (GRCh38, 1-based): chr1:236,897,563, G>C. VCF-style: chr1-236897563-G-C. GRCh37 (hg19) VCF-style: chr1-237060863-G-C.
Other names: c.3564G>C, p.Glu1188Asp (NM_001291939.1); c.2496G>C, p.Glu832Asp (NM_001291940.2); short protein forms E1188D, E1239D, E832D.
Identifiers: ClinVar variation 1478225 (VCV001478225.8), dbSNP rs2147965312, ClinGen allele CA345392195.

ClinVar aggregate classification (germline): Uncertain significance (1 of 4 stars; one submission).

Conditions:
Methylcobalamin deficiency type cblG (HMAG). Also called: HOMOCYSTINURIA-MEGALOBLASTIC ANEMIA, cblG COMPLEMENTATION TYPE; HOMOCYSTINURIA-MEGALOBLASTIC ANEMIA, cblG TYPE; Functional methionine synthase deficiency type cblG; HOMOCYSTINURIA-MEGALOBLASTIC ANEMIA DUE TO DEFECT IN COBALAMIN METABOLISM, cblG COMPLEMENTATION TYPE. Identifiers: Orphanet 2170, Orphanet 622, MedGen C1855128, MONDO:0009609, OMIM 250940.

Submission:

Labcorp Genetics (formerly Invitae), Labcorp
Classification: Uncertain significance for Methylcobalamin deficiency type cblG. Last evaluated: 2021-05-04. Review status: criteria provided, single submitter. Criteria: Invitae Variant Classification Sherloc (09022015). Collection method: clinical testing. Allele origin: germline.
Comment: In summary, the available evidence is currently insufficient to determine the role of this variant in disease. Therefore, it has been classified as a Variant of Uncertain Significance. Algorithms developed to predict the effect of missense changes on protein structure and function (SIFT, PolyPhen-2, Align-GVGD) all suggest that this variant is likely to be tolerated, but these predictions have not been confirmed by published functional studies and their clinical significance is uncertain. This variant has not been reported in the literature in individuals with MTR-related conditions. This variant is not present in population databases (ExAC no frequency). This sequence change replaces glutamic acid with aspartic acid at codon 1239 of the MTR protein (p.Glu1239Asp). The glutamic acid residue is moderately conserved and there is a small physicochemical difference between glutamic acid and aspartic acid.